The following is an entry in ClinVar:

ClinVar aggregate classification (germline): Uncertain significance (1 of 4 stars; one submission).

Submission:

Labcorp Genetics (formerly Invitae), Labcorp
Classification: Uncertain significance. Last evaluated: 2021-08-30. Review status: criteria provided, single submitter. Criteria: Invitae Variant Classification Sherloc (09022015). Collection method: clinical testing. Allele origin: germline.
Comment: This sequence change replaces arginine with glycine at codon 1460 of the SZT2 protein (p.Arg1460Gly). The arginine residue is highly conserved and there is a moderate physicochemical difference between arginine and glycine. This variant is not present in population databases (ExAC no frequency). This variant has not been reported in the literature in individuals affected with SZT2-related conditions. Algorithms developed to predict the effect of missense changes on protein structure and function are either unavailable or do not agree on the potential impact of this missense change (SIFT: "Deleterious"; PolyPhen-2: "Probably Damaging"; Align-GVGD: "Class C15"). In summary, the available evidence is currently insufficient to determine the role of this variant in disease. Therefore, it has been classified as a Variant of Uncertain Significance.

NM_001365999.1(SZT2):c.4549C>G (p.Arg1517Gly)

Gene: SZT2 (SZT2 subunit of KICSTOR complex; plus strand). Cytogenetic location: 1p34.2.
Variant type: single nucleotide variant.
Coding change: c.4549C>G on transcript NM_001365999.1 (MANE Select); coding-DNA position 4549, C replaced by G.
Protein change: p.Arg1517Gly; replaces arginine 1517 with glycine.
Molecular consequence: missense variant.
Genome position (GRCh38, 1-based): chr1:43,430,564, C>G. VCF-style: chr1-43430564-C-G. GRCh37 (hg19) VCF-style: chr1-43896235-C-G.
Other names: c.4378C>G, p.Arg1460Gly (NM_015284.4); short protein forms R1460G, R1517G.
Identifiers: ClinVar variation 1016201 (VCV001016201.6), dbSNP rs1336611946, ClinGen allele CA340021883.